The following is an entry in ClinVar:

ClinVar aggregate classification (germline): Uncertain significance (1 of 4 stars; one submission).

Submission:

Women's Health and Genetics/Laboratory Corporation of America, LabCorp
Classification: Uncertain significance. Last evaluated: 2021-04-09. Review status: criteria provided, single submitter. Criteria: LabCorp Variant Classification Summary - May 2015. Collection method: clinical testing. Allele origin: germline.
Comment: Variant summary: TTN c.50755G>C (p.Val16919Leu) results in a conservative amino acid change located in the A-band region of the encoded protein sequence. Three of five in-silico tools predict a benign effect of the variant on protein function. The variant was absent in 246788 control chromosomes. The available data on variant occurrences in the general population are insufficient to allow any conclusion about variant significance. To our knowledge, no occurrence of c.50755G>C in individuals affected with Dilated Cardiomyopathy and no experimental evidence demonstrating its impact on protein function have been reported. No clinical diagnostic laboratories have submitted clinical-significance assessments for this variant to ClinVar after 2014. Based on the evidence outlined above, the variant was classified as uncertain significance.

NM_001267550.2(TTN):c.58459G>C (p.Val19487Leu)

Genes: TTN (titin; minus strand), TTN-AS1 (TTN antisense RNA 1; plus strand). Cytogenetic location: 2q31.2.
Variant type: single nucleotide variant.
Coding change: c.58459G>C on transcript NM_001267550.2 (MANE Select); coding-DNA position 58459, G replaced by C.
Protein change: p.Val19487Leu; replaces valine 19487 with leucine.
Molecular consequence: missense variant.
Genome position (GRCh38, 1-based): chr2:178,593,841, C>G on the plus strand (G>C on the coding strand, the complement: TTN is on the minus strand). VCF-style: chr2-178593841-C-G. GRCh37 (hg19) VCF-style: chr2-179458568-C-G.
Other names: c.53536G>C, p.Val17846Leu (NM_001256850.1); c.31264G>C, p.Val10422Leu (NM_003319.4); c.50755G>C, p.Val16919Leu (NM_133378.4); c.31639G>C, p.Val10547Leu (NM_133432.3); c.31840G>C, p.Val10614Leu (NM_133437.4); short protein forms V10422L, V10547L, V10614L, V16919L, V17846L, V19487L.
Identifiers: ClinVar variation 1065159 (VCV001065159.1), dbSNP rs2154186728, ClinGen allele CA349506130.